The following is an entry in ClinVar:

ClinVar aggregate classification (germline): Uncertain significance (1 of 4 stars; one submission).

Conditions:
Inborn genetic diseases. Identifiers: MedGen C0950123, MeSH D030342.

Allele frequency attached by ClinVar (database versions not stated): gnomAD 0.00001; TOPMed 0.00001.
gnomAD v4.1: 2 of 1,613,930 alleles (0.00012%); highest among the groups gnomAD compares: African/African-American, 0.0027%; no homozygotes.

Submission:

Ambry Genetics
Classification: Uncertain significance for Inborn genetic diseases. Last evaluated: 2024-01-24. Review status: criteria provided, single submitter. Criteria: Ambry Variant Classification Scheme 2023. Collection method: clinical testing. Allele origin: germline.
Comment: The p.P283S variant (also known as c.847C>T), located in coding exon 8 of the RAD51 gene, results from a C to T substitution at nucleotide position 847. The proline at codon 283 is replaced by serine, an amino acid with similar properties. This amino acid position is conserved. In addition, the in silico prediction for this alteration is inconclusive. Based on the available evidence, the clinical significance of this alteration remains unclear.

NM_002875.5(RAD51):c.847C>T (p.Pro283Ser)

Gene: RAD51 (RAD51 recombinase; plus strand). Cytogenetic location: 15q15.1.
Variant type: single nucleotide variant.
Coding change: c.847C>T on transcript NM_002875.5 (MANE Select); coding-DNA position 847, C replaced by T.
Protein change: p.Pro283Ser; replaces proline 283 with serine.
Molecular consequence: missense variant. On other transcripts: intron variant (1).
Genome position (GRCh38, 1-based): chr15:40,729,925, C>T. VCF-style: chr15-40729925-C-T. GRCh37 (hg19) VCF-style: chr15-41022123-C-T.
Other names: c.850C>T, p.Pro284Ser (NM_001164269.2, NM_133487.4); c.774+291C>T (NM_001164270.2); short protein forms P283S, P284S.
Identifiers: ClinVar variation 3222873 (VCV003222873.1), dbSNP rs1353527989, ClinGen allele CA391759998.